The following is an entry in ClinVar:

ClinVar aggregate classification (germline): Uncertain significance (1 of 4 stars; one submission).

Conditions:
Combined immunodeficiency due to DOCK8 deficiency (HIES2). Also called: DOCK8 Deficiency; HIES autosomal recessive; Hyper-IgE recurrent infection syndrome, autosomal recessive; HYPER-IgE RECURRENT INFECTION SYNDROME 2, AUTOSOMAL RECESSIVE; HYPER-IgE SYNDROME 2, AUTOSOMAL RECESSIVE, WITH RECURRENT INFECTIONS. Identifiers: Orphanet 217390, MedGen C4722305, MONDO:0009478, OMIM 243700.

Submission:

Labcorp Genetics (formerly Invitae), Labcorp
Classification: Uncertain significance for Combined immunodeficiency due to DOCK8 deficiency. Last evaluated: 2019-08-15. Review status: criteria provided, single submitter. Criteria: Invitae Variant Classification Sherloc (09022015). Collection method: clinical testing. Allele origin: germline.
Comment: This variant results in a copy number gain of the genomic region encompassing exons 12-48 of the DOCK8 gene. The 5' boundary is likely confined to intron 11. The 3' end of this event is unknown as it extends beyond the assayed region for this gene and therefore may encompass additional genes. As the precise location of this event is unknown, it may be in tandem or it may be located elsewhere in the genome. This variant has not been reported in the literature in individuals with DOCK8-related conditions. In summary, the available evidence is currently insufficient to determine the role of this variant in disease. Therefore, it has been classified as a Variant of Uncertain Significance.

NC_000009.12:g.(?_336562)_(464239_?)dup

Gene: DOCK8 (dedicator of cytokinesis 8; plus strand). Cytogenetic location: 9p24.3.
Variant type: Duplication.
Identifiers: ClinVar variation 831469 (VCV000831469.2).